The following is an entry in ClinVar:

ClinVar aggregate classification (germline): Uncertain significance. Review status: criteria provided, multiple submitters, no conflicts (2 of 4 stars). 2 submissions from 2 submitters: Uncertain significance (2). Last evaluated 2025-09-16.

Conditions:
Hereditary cancer-predisposing syndrome. Also called: Hereditary neoplastic syndrome; Neoplastic Syndromes, Hereditary; Hereditary Cancer Syndrome; Tumor predisposition. Identifiers: Orphanet 140162, MedGen C0027672, MeSH D009386, MONDO:0015356.
Carney complex, type 1 (CNC1). Also called: CARNEY COMPLEX, TYPE I; CARNEY MYXOMA-ENDOCRINE COMPLEX. Identifiers: Orphanet 1359, MedGen C2607929, MONDO:0008057, OMIM 160980.

Allele frequency attached by ClinVar (database versions not stated): gnomAD exomes below 0.00001; gnomAD 0.00001; 1000 Genomes Project 30x 0.00016.
gnomAD v4.1: 4 of 1,613,806 alleles (0.00025%); highest among the groups gnomAD compares: African/African-American, 0.004%; no homozygotes.

Submissions (2):

Ambry Genetics
Classification: Uncertain significance for Hereditary cancer-predisposing syndrome. Last evaluated: 2025-09-16. Review status: criteria provided, single submitter. Criteria: Ambry Variant Classification Scheme 2023. Collection method: clinical testing. Allele origin: germline.
Comment: The p.T209I variant (also known as c.626C>T), located in coding exon 6 of the PRKAR1A gene, results from a C to T substitution at nucleotide position 626. The threonine at codon 209 is replaced by isoleucine, an amino acid with similar properties. This amino acid position is highly conserved in available vertebrate species. In addition, this alteration is predicted to be deleterious by in silico analysis. Based on the available evidence, the clinical significance of this variant remains unclear.

Labcorp Genetics (formerly Invitae), Labcorp
Classification: Uncertain significance for Carney complex, type 1. Last evaluated: 2025-04-21. Review status: criteria provided, single submitter. Criteria: Invitae Variant Classification Sherloc (09022015). Collection method: clinical testing. Allele origin: germline.
Comment: This sequence change replaces threonine, which is neutral and polar, with isoleucine, which is neutral and non-polar, at codon 209 of the PRKAR1A protein (p.Thr209Ile). This variant is not present in population databases (gnomAD no frequency). This variant has not been reported in the literature in individuals affected with PRKAR1A-related conditions. ClinVar contains an entry for this variant (Variation ID: 659347). Invitae Evidence Modeling of protein sequence and biophysical properties (such as structural, functional, and spatial information, amino acid conservation, physicochemical variation, residue mobility, and thermodynamic stability) indicates that this missense variant is expected to disrupt PRKAR1A protein function with a positive predictive value of 80%. In summary, the available evidence is currently insufficient to determine the role of this variant in disease. Therefore, it has been classified as a Variant of Uncertain Significance.

NM_002734.5(PRKAR1A):c.626C>T (p.Thr209Ile)

Gene: PRKAR1A (protein kinase cAMP-dependent type I regulatory subunit alpha; plus strand). Cytogenetic location: 17q24.2.
Variant type: single nucleotide variant.
Coding change: c.626C>T on transcript NM_002734.5 (MANE Select); coding-DNA position 626, C replaced by T.
Protein change: p.Thr209Ile; replaces threonine 209 with isoleucine.
Molecular consequence: missense variant.
Genome position (GRCh38, 1-based): chr17:68,525,830, C>T. VCF-style: chr17-68525830-C-T. GRCh37 (hg19) VCF-style: chr17-66521971-C-T.
Other names: c.626C>T (NM_002734.3); c.626C>T, p.Thr209Ile (NM_001276289.2, NM_001276290.1, NM_001278433.2 and 4 more transcripts); short protein forms T209I.
Identifiers: ClinVar variation 659347 (VCV000659347.10), dbSNP rs1600486256, ClinGen allele CA400753223.